The following is an entry in ClinVar:

NM_001447.3(FAT2):c.5776T>C (p.Ser1926Pro)

Genes: FAT2 (FAT atypical cadherin 2; minus strand), SLC36A1 (solute carrier family 36 member 1; plus strand). Cytogenetic location: 5q33.1.
Variant type: single nucleotide variant.
Coding change: c.5776T>C on transcript NM_001447.3 (MANE Select); coding-DNA position 5776, T replaced by C.
Protein change: p.Ser1926Pro; replaces serine 1926 with proline.
Molecular consequence: missense variant.
Genome position (GRCh38, 1-based): chr5:151,545,351, A>G on the plus strand (T>C on the coding strand, the complement: FAT2 is on the minus strand). VCF-style: chr5-151545351-A-G. GRCh37 (hg19) VCF-style: chr5-150924912-A-G.
Other names: c.5776T>C (NM_001447.2); short protein forms S1926P.
Identifiers: ClinVar variation 2980050 (VCV002980050.4), dbSNP rs752627716, ClinGen allele CA3521233.

ClinVar aggregate classification (germline): Uncertain significance. Review status: criteria provided, multiple submitters, no conflicts (2 of 4 stars). 2 submissions from 2 submitters: Uncertain significance (2). Last evaluated 2024-09-27.

Allele frequency attached by ClinVar (database versions not stated): ExAC 0.00001; gnomAD exomes 0.00001; gnomAD 0.00002; TOPMed 0.00002.
gnomAD v4.1: 25 of 1,614,052 alleles (0.0015%); highest among the groups gnomAD compares: Non-Finnish European, 0.0019%; no homozygotes.

Submissions (2):

Ambry Genetics
Classification: Uncertain significance. Last evaluated: 2024-09-27. Review status: criteria provided, single submitter. Criteria: Ambry Variant Classification Scheme 2023. Collection method: clinical testing. Allele origin: germline.

Labcorp Genetics (formerly Invitae), Labcorp
Classification: Uncertain significance. Last evaluated: 2023-08-09. Review status: criteria provided, single submitter. Criteria: Invitae Variant Classification Sherloc (09022015). Collection method: clinical testing. Allele origin: germline.
Comment: This variant has not been reported in the literature in individuals affected with FAT2-related conditions. This variant is present in population databases (rs752627716, gnomAD 0.005%). This sequence change replaces serine, which is neutral and polar, with proline, which is neutral and non-polar, at codon 1926 of the FAT2 protein (p.Ser1926Pro). Advanced modeling of protein sequence and biophysical properties (such as structural, functional, and spatial information, amino acid conservation, physicochemical variation, residue mobility, and thermodynamic stability) performed at Invitae indicates that this missense variant is not expected to disrupt FAT2 protein function. In summary, the available evidence is currently insufficient to determine the role of this variant in disease. Therefore, it has been classified as a Variant of Uncertain Significance.